The following is an entry in ClinVar:

NM_052844.4(DYNC2I2):c.1412A>G (p.Lys471Arg)

Gene: DYNC2I2 (dynein 2 intermediate chain 2; minus strand). Cytogenetic location: 9q34.11.
Variant type: single nucleotide variant.
Coding change: c.1412A>G on transcript NM_052844.4 (MANE Select); coding-DNA position 1412, A replaced by G.
Protein change: p.Lys471Arg; replaces lysine 471 with arginine.
Molecular consequence: missense variant.
Genome position (GRCh38, 1-based): chr9:128,633,943, T>C on the plus strand (A>G on the coding strand, the complement: DYNC2I2 is on the minus strand). VCF-style: chr9-128633943-T-C. GRCh37 (hg19) VCF-style: chr9-131396222-T-C.
Other names: short protein forms K471R.
Identifiers: ClinVar variation 1681176 (VCV001681176.6), dbSNP rs2132131817, ClinGen allele CA375107869.

ClinVar aggregate classification (germline): Uncertain significance (1 of 4 stars; one submission).

Conditions:
Short-rib thoracic dysplasia 11 with or without polydactyly (SRTD11). Also called: SHORT-RIB THORACIC DYSPLASIA 11 WITHOUT POLYDACTYLY. Identifiers: Orphanet 474, Orphanet 93271, MedGen C3810200, MONDO:0014287, OMIM 615633.

Submission:

Labcorp Genetics (formerly Invitae), Labcorp
Classification: Uncertain significance for Short-rib thoracic dysplasia 11 with or without polydactyly. Last evaluated: 2022-10-24. Review status: criteria provided, single submitter. Criteria: Invitae Variant Classification Sherloc (09022015). Collection method: clinical testing. Allele origin: germline.
Comment: Algorithms developed to predict the effect of missense changes on protein structure and function output the following: SIFT: "Tolerated"; PolyPhen-2: "Benign"; Align-GVGD: "Class C0". The arginine amino acid residue is found in multiple mammalian species, which suggests that this missense change does not adversely affect protein function. This sequence change replaces lysine, which is basic and polar, with arginine, which is basic and polar, at codon 471 of the WDR34 protein (p.Lys471Arg). This variant is not present in population databases (gnomAD no frequency). This variant has not been reported in the literature in individuals affected with WDR34-related conditions. ClinVar contains an entry for this variant (Variation ID: 1681176). In summary, the available evidence is currently insufficient to determine the role of this variant in disease. Therefore, it has been classified as a Variant of Uncertain Significance.